The following is an entry in ClinVar:

NM_016026.4(RDH11):c.340T>C (p.Phe114Leu)

Genes: GPHN (gephyrin; plus strand), RDH11 (retinol dehydrogenase 11; minus strand). Cytogenetic location: 14q24.1.
Variant type: single nucleotide variant.
Coding change: c.340T>C on transcript NM_016026.4 (MANE Select); coding-DNA position 340, T replaced by C.
Protein change: p.Phe114Leu; replaces phenylalanine 114 with leucine.
Molecular consequence: missense variant.
Genome position (GRCh38, 1-based): chr14:67,692,447, A>G on the plus strand (T>C on the coding strand, the complement: RDH11 is on the minus strand). VCF-style: chr14-67692447-A-G. GRCh37 (hg19) VCF-style: chr14-68159164-A-G.
Other names: c.340T>C, p.Phe114Leu (NM_001252650.2); short protein forms F114L.
Identifiers: ClinVar variation 953885 (VCV000953885.8), dbSNP rs200771945, ClinGen allele CA262796124.

ClinVar aggregate classification (germline): Uncertain significance. Review status: criteria provided, multiple submitters, no conflicts (2 of 4 stars). 2 submissions from 2 submitters: Uncertain significance (2). Last evaluated 2026-05-20.

Submissions (2):

Ambry Genetics
Classification: Uncertain significance. Last evaluated: 2026-05-20. Review status: criteria provided, single submitter. Criteria: Ambry Variant Classification Scheme 2023. Collection method: clinical testing. Allele origin: germline.

Labcorp Genetics (formerly Invitae), Labcorp
Classification: Uncertain significance. Last evaluated: 2022-07-19. Review status: criteria provided, single submitter. Criteria: Invitae Variant Classification Sherloc (09022015). Collection method: clinical testing. Allele origin: germline.
Comment: This sequence change replaces phenylalanine, which is neutral and non-polar, with leucine, which is neutral and non-polar, at codon 114 of the RDH11 protein (p.Phe114Leu). This variant is not present in population databases (gnomAD no frequency). This variant has not been reported in the literature in individuals affected with RDH11-related conditions. ClinVar contains an entry for this variant (Variation ID: 953885). Algorithms developed to predict the effect of missense changes on protein structure and function are either unavailable or do not agree on the potential impact of this missense change (SIFT: "Tolerated"; PolyPhen-2: "Probably Damaging"; Align-GVGD: "Class C0"). In summary, the available evidence is currently insufficient to determine the role of this variant in disease. Therefore, it has been classified as a Variant of Uncertain Significance.